The following is an entry in ClinVar:

ClinVar aggregate classification (germline): Conflicting classifications of pathogenicity. Review status: criteria provided, conflicting classifications (1 of 4 stars). 6 submissions from 5 submitters: Uncertain significance (5); Likely benign (1). Last evaluated 2025-12-31.

Conditions:
Neurofibromatosis, type 1 (NF1). Also called: VON RECKLINGHAUSEN DISEASE; NEUROFIBROMATOSIS, TYPE I, SOMATIC; Peripheral type neurofibromatosis; Neurofibromatosis, type I. Identifiers: Orphanet 636, MedGen C0027831, MONDO:0018975, OMIM 162200. Disease mechanism: loss of function.
Cardiovascular phenotype. Identifiers: MedGen CN230736.
Hereditary cancer-predisposing syndrome. Also called: Hereditary Cancer Syndrome; Hereditary neoplastic syndrome; Tumor predisposition; Neoplastic Syndromes, Hereditary. Identifiers: Orphanet 140162, MedGen C0027672, MeSH D009386, MONDO:0015356.

Allele frequency attached by ClinVar (database versions not stated): ExAC 0.00001; gnomAD 0.00001; gnomAD exomes 0.00001 and 0.00002; TOPMed 0.00001; ESP Exome Variant Server 0.00008.
gnomAD v4.1: 30 of 1,612,684 alleles (0.0019%); highest among the groups gnomAD compares: Non-Finnish European, 0.0025%; no homozygotes.

Submissions (6):

Labcorp Genetics (formerly Invitae), Labcorp
Classification: Likely benign for Neurofibromatosis, type 1. Last evaluated: 2025-12-31. Review status: criteria provided, single submitter. Criteria: Invitae Variant Classification Sherloc (09022015). Collection method: clinical testing. Allele origin: germline.

GeneDx
Classification: Uncertain significance. Last evaluated: 2025-05-22. Review status: criteria provided, single submitter. Criteria: GeneDx Variant Classification Process June 2021. Collection method: clinical testing. Allele origin: germline. Affected: yes.
Comment: In silico analysis suggests that this missense variant does not alter protein structure/function; Has not been previously published as pathogenic or benign to our knowledge; This variant is associated with the following publications: (PMID: 25486365, 2121369)

Ambry Genetics
Classification: Uncertain significance for Cardiovascular phenotype; Hereditary cancer-predisposing syndrome. Last evaluated: 2025-01-18. Review status: criteria provided, single submitter. Criteria: Ambry Variant Classification Scheme 2023. Collection method: clinical testing. Allele origin: germline.

Genome-Nilou Lab
Classification: Uncertain significance for Neurofibromatosis, type 1. Last evaluated: 2022-03-15. Review status: criteria provided, single submitter. Criteria: ACMG Guidelines, 2015. Collection method: clinical testing. Allele origin: germline. Affected: no.

Genetic Services Laboratory, University of Chicago
Classification: Uncertain significance. Last evaluated: 2021-10-15. Review status: criteria provided, single submitter. Criteria: ACMG Guidelines, 2015. Collection method: clinical testing. Allele origin: germline. Affected: no.
Comment: DNA sequence analysis of the NF1 gene demonstrated a sequence change, c.2633T>C, in exon 21 that results in an amino acid change, p.Ile878Thr. This sequence change has been described in the gnomAD database with a frequency of 0.003% in the non-Finnish European subpopulation (dbSNP rs372049168). The p.Ile878Thr change affects a moderately conserved amino acid residue located in a domain of the NF1 protein that is known to be functional. In-silico pathogenicity prediction tools (SIFT, PolyPhen2, Align GVGD, REVEL) provide contradictory results for the p.Ile878Thr substitution. This sequence change does not appear to have been previously described in individuals with NF1-related disorders. Due to insufficient evidences and the lack of functional studies, the clinical significance of the p.Ile878Thr change remains unknown at this time.

Ambry Genetics
Classification: Uncertain significance for Hereditary cancer-predisposing syndrome. Last evaluated: 2016-01-21. Review status: criteria provided, single submitter. Criteria: Ambry Autosomal Dominant and X-Linked criteria (10/2015). Collection method: clinical testing. Allele origin: germline. Observed: 1 variant allele.
Comment: The p.I878T variant (also known as c.2633T>C), located in coding exon 21 of the NF1 gene, results from a T to C substitution at nucleotide position 2633. The isoleucine at codon 878 is replaced by threonine, an amino acid with similar properties. This variant was previously reported in the SNPDatabase as rs372049168. Based on data from the NHLBI Exome Sequencing Project (ESP), the C allele has an overall frequency of approximately 0.01% (1/13006) total alleles studied, having been observed in0.01% (1/8600) European American alleles. To date, this alteration has been detected with an allele frequency of approximately 0.001% (greater than 110000alleles tested) in our clinical cohort.This amino acid position is highly conserved in available vertebrate species. In addition, this alteration is predicted to be deleterious by in silico analysis.Since supporting evidence is limited at this time, the clinical significance of this alterationremains unclear.

NM_001042492.3(NF1):c.2633T>C (p.Ile878Thr)

Gene: NF1 (neurofibromin 1; plus strand). Cytogenetic location: 17q11.2.
Variant type: single nucleotide variant.
Coding change: c.2633T>C on transcript NM_001042492.3 (MANE Select); coding-DNA position 2633, T replaced by C.
Protein change: p.Ile878Thr; replaces isoleucine 878 with threonine.
Molecular consequence: missense variant.
Genome position (GRCh38, 1-based): chr17:31,229,248, T>C. VCF-style: chr17-31229248-T-C. GRCh37 (hg19) VCF-style: chr17-29556266-T-C.
Other names: c.2633T>C, p.Ile878Thr (NM_000267.4); short protein forms I878T.
Identifiers: ClinVar variation 457594 (VCV000457594.19), dbSNP rs372049168, ClinGen allele CA8486010.
Genomic context (GRCh38, chr17:31,229,248, plus strand): 5'-CTGGCCTGGCAACCTATAGCCCACCCATGGGTCCAGTCAGTGAACGTAAGGGTTCTATGA[T>C]TTCAGTGATGTCTTCAGAGGGAAACGCAGATACACCTGTCAGCAAATTTATGGATCGGCT-3'
Protein context (NP_001035957.1, residues 868-888): GPVSERKGSM[Ile878Thr]SVMSSEGNAD